The following is an entry in ClinVar:

ClinVar aggregate classification (germline): Uncertain significance. Review status: criteria provided, multiple submitters, no conflicts (2 of 4 stars). 3 submissions from 3 submitters: Uncertain significance (3). Last evaluated 2022-09-29.

Conditions:
TTN-related disorder. Also called: TTN-related disorders; TTN-related condition; TTN-related disease.
Autosomal recessive limb-girdle muscular dystrophy type 2J (LGMDR10). Also called: Limb-girdle muscular dystrophy, type 2J; MUSCULAR DYSTROPHY, LIMB-GIRDLE, AUTOSOMAL RECESSIVE 10. Identifiers: Orphanet 140922, MedGen C1837342, MONDO:0012127, OMIM 608807.
Hypertrophic cardiomyopathy 9. Also called: Familial hypertrophic cardiomyopathy 9. Identifiers: MedGen C1861065, MONDO:0013412, OMIM 613765.
Early-onset myopathy with fatal cardiomyopathy (CMYO5). Also called: CONGENITAL MYOPATHY 5 WITH CARDIOMYOPATHY; Salih Myopathy. Identifiers: Orphanet 289377, MedGen C2673677, MONDO:0012714, OMIM 611705. Disease mechanism: loss of function.
Dilated cardiomyopathy 1G (CMD1G). Identifiers: Orphanet 154, MedGen C1858763, MONDO:0011400, OMIM 604145.
Myopathy, myofibrillar, 9, with early respiratory failure (MFM9). Also called: Hereditary myopathy with early respiratory failure; EDSTROM MYOPATHY; MYOPATHY, PROXIMAL, WITH EARLY RESPIRATORY MUSCLE INVOLVEMENT; Myopathy, distal, with early respiratory failure, autosomal dominant. Identifiers: Orphanet 178464, Orphanet 34521, MedGen C1863599, MONDO:0011362, OMIM 603689.
Tibial muscular dystrophy (TMD). Also called: Udd Distal Myopathy – Tibial Muscular Dystrophy; UDD MYOPATHY; Tibial muscular dystrophy, tardive. Identifiers: Orphanet 609, MedGen C1838244, MONDO:0010870, OMIM 600334.

Allele frequency attached by ClinVar (database versions not stated): gnomAD 0.00001; gnomAD exomes 0.00001; TOPMed 0.00002.

Submissions (3):

PreventionGenetics, part of Exact Sciences
Classification: Uncertain significance for TTN-related condition. Last evaluated: 2022-09-29. Review status: criteria provided, single submitter. Criteria: ACMG Guidelines, 2015. Collection method: clinical testing. Allele origin: germline.
Comment: The TTN c.84122C>T variant is predicted to result in the amino acid substitution p.Ala28041Val. To our knowledge, this variant has not been reported in the literature. This variant is reported in 0.011% of alleles in individuals of African descent in gnomAD. At this time, the clinical significance of this variant is uncertain due to the absence of conclusive functional and genetic evidence.

Fulgent Genetics
Classification: Uncertain significance for Tibial muscular dystrophy; Myopathy, myofibrillar, 9, with early respiratory failure; Dilated cardiomyopathy 1G; Autosomal recessive limb-girdle muscular dystrophy type 2J; Early-onset myopathy with fatal cardiomyopathy; Hypertrophic cardiomyopathy 9. Last evaluated: 2021-12-06. Review status: criteria provided, single submitter. Criteria: ACMG Guidelines, 2015. Collection method: clinical testing. Allele origin: unknown.

GeneDx
Classification: Uncertain significance. Last evaluated: 2020-11-16. Review status: criteria provided, single submitter. Criteria: GeneDx Variant Classification Process June 2021. Collection method: clinical testing. Allele origin: germline. Affected: yes.
Comment: Not observed at a significant frequency in large population cohorts (Lek et al., 2016); Missense variant in a gene in which most reported pathogenic variants are truncating/loss-of-function; Has not been previously published as pathogenic or benign to our knowledge

NM_001267550.2(TTN):c.84122C>T (p.Ala28041Val)

Genes: TTN (titin; minus strand), TTN-AS1 (TTN antisense RNA 1; plus strand). Cytogenetic location: 2q31.2.
Variant type: single nucleotide variant.
Coding change: c.84122C>T on transcript NM_001267550.2 (MANE Select); coding-DNA position 84122, C replaced by T.
Protein change: p.Ala28041Val; replaces alanine 28041 with valine.
Molecular consequence: missense variant.
Genome position (GRCh38, 1-based): chr2:178,562,010, G>A on the plus strand (C>T on the coding strand, the complement: TTN is on the minus strand). VCF-style: chr2-178562010-G-A. GRCh37 (hg19) VCF-style: chr2-179426737-G-A.
Other names: c.79199C>T, p.Ala26400Val (NM_001256850.1); c.56927C>T, p.Ala18976Val (NM_003319.4); c.76418C>T, p.Ala25473Val (NM_133378.4); c.57302C>T, p.Ala19101Val (NM_133432.3); c.57503C>T, p.Ala19168Val (NM_133437.4); short protein forms A18976V, A19101V, A19168V, A25473V, A26400V, A28041V.
Identifiers: ClinVar variation 1313652 (VCV001313652.4), dbSNP rs900858263, ClinGen allele CA60985247.
Genomic context (GRCh38, chr2:178,562,010, plus strand): 5'-GGACCTGGAGGTCCTGGTCTGTCAAGGACAATTATAGTAATAGGAACTGTTATGGATCCA[G>A]CACTGTTTGAAACACATAATTCATAAGTTCCAACATCTTCCTTTGAAGCTTCCTTAATAG-3'
Protein context (NP_001254479.2, residues 28031-28051): GTYELCVSNS[Ala28041Val]GSITVPITII